The following is an entry in ClinVar:

ClinVar aggregate classification (germline): Uncertain significance (1 of 4 stars; one submission).

Conditions:
Developmental and epileptic encephalopathy. Identifiers: MedGen C5779964, MONDO:0100620.

Submission:

Labcorp Genetics (formerly Invitae), Labcorp
Classification: Uncertain significance for Early infantile epileptic encephalopathy with suppression bursts. Last evaluated: 2019-05-01. Review status: criteria provided, single submitter. Criteria: Invitae Variant Classification Sherloc (09022015). Collection method: clinical testing. Allele origin: germline.
Comment: This sequence change replaces cysteine with tryptophan at codon 1376 of the SCN1A protein (p.Cys1376Trp). The cysteine residue is highly conserved and there is a large physicochemical difference between cysteine and tryptophan. This variant is not present in population databases (ExAC no frequency). Algorithms developed to predict the effect of missense changes on protein structure and function (SIFT, PolyPhen-2, Align-GVGD) all suggest that this variant is likely to be disruptive, but these predictions have not been confirmed by published functional studies and their clinical significance is uncertain. In summary, the available evidence is currently insufficient to determine the role of this variant in disease. Therefore, it has been classified as a Variant of Uncertain Significance.

NM_001165963.4(SCN1A):c.4128T>G (p.Cys1376Trp)

Genes: SCN1A (sodium voltage-gated channel alpha subunit 1; minus strand), LOC102724058 (uncharacterized LOC102724058; plus strand). Cytogenetic location: 2q24.3.
Variant type: single nucleotide variant.
Coding change: c.4128T>G on transcript NM_001165963.4 (MANE Select); coding-DNA position 4128, T replaced by G.
Protein change: p.Cys1376Trp; replaces cysteine 1376 with tryptophan.
Molecular consequence: missense variant. On other transcripts: non-coding transcript variant (1).
Genome position (GRCh38, 1-based): chr2:166,002,628, A>C on the plus strand (T>G on the coding strand, the complement: SCN1A is on the minus strand). VCF-style: chr2-166002628-A-C. GRCh37 (hg19) VCF-style: chr2-166859138-A-C.
Other names: c.4044T>G, p.Cys1348Trp (NM_001165964.3, NM_001353957.2, NM_001353958.2); c.4128T>G, p.Cys1376Trp (NM_001202435.3, NM_001353948.2); c.4095T>G, p.Cys1365Trp (NM_001353949.2, NM_001353950.2, NM_001353951.2 and 2 more transcripts); c.4092T>G, p.Cys1364Trp (NM_001353954.2, NM_001353955.2); c.4041T>G, p.Cys1347Trp (NM_001353960.2); c.1686T>G, p.Cys562Trp (NM_001353961.2); short protein forms C1347W, C1365W, C1348W, C1364W, C1376W, C562W.
Identifiers: ClinVar variation 946512 (VCV000946512.2), dbSNP rs1485075354, ClinGen allele CA349050351.